The following is an entry in ClinVar:

NM_170707.4(LMNA):c.1380+5G>C

Gene: LMNA (lamin A/C; plus strand). Cytogenetic location: 1q22.
Variant type: single nucleotide variant.
Coding change: c.1380+5G>C on transcript NM_170707.4 (MANE Select); 5 bases into the intron after coding-DNA position 1380, G replaced by C.
Molecular consequence: intron variant.
Genome position (GRCh38, 1-based): chr1:156,136,441, G>C. VCF-style: chr1-156136441-G-C. GRCh37 (hg19) VCF-style: chr1-156106232-G-C.
Other names: c.1380+5G>C (NM_001406983.1, NM_001282625.2, NM_001406984.1 and 6 more transcripts); c.822+5G>C (NM_001407002.1, NM_001406993.1, NM_001406995.1 and 4 more transcripts); c.756+5G>C (NM_001407001.1, NM_001406999.1, NM_001407000.1 and 1 more transcripts); c.1137+5G>C (NM_001406987.1, NM_001282624.2, NM_001406986.1); c.1044+5G>C (NM_001406989.1, NM_001257374.3, NM_001406998.1); c.1083+5G>C (NM_001406988.1).
Identifiers: ClinVar variation 3721403 (VCV003721403.2).

ClinVar aggregate classification (germline): Uncertain significance (1 of 4 stars; one submission).

Conditions:
Charcot-Marie-Tooth disease type 2. Also called: Charcot-Marie-Tooth type 2. Identifiers: Orphanet 64746, MedGen C0270914, MONDO:0018993.

Submission:

Labcorp Genetics (formerly Invitae), Labcorp
Classification: Uncertain significance for Charcot-Marie-Tooth disease type 2. Last evaluated: 2024-09-23. Review status: criteria provided, single submitter. Criteria: Invitae Variant Classification Sherloc (09022015). Collection method: clinical testing. Allele origin: germline.
Comment: This sequence change falls in intron 7 of the LMNA gene. It does not directly change the encoded amino acid sequence of the LMNA protein. It affects a nucleotide within the consensus splice site. This variant is not present in population databases (gnomAD no frequency). This variant has not been reported in the literature in individuals affected with LMNA-related conditions. Variants that disrupt the consensus splice site are a relatively common cause of aberrant splicing (PMID: 17576681, 9536098). Algorithms developed to predict the effect of sequence changes on RNA splicing suggest that this variant may disrupt the consensus splice site. In summary, the available evidence is currently insufficient to determine the role of this variant in disease. Therefore, it has been classified as a Variant of Uncertain Significance.

Literature cited by the submitters: PubMed 17576681; PubMed 9536098.